The following is an entry in ClinVar:

NM_000632.4(ITGAM):c.1381C>T (p.Leu461Phe)

Gene: ITGAM (integrin subunit alpha M; plus strand). Cytogenetic location: 16p11.2.
Variant type: single nucleotide variant.
Coding change: c.1381C>T on transcript NM_000632.4 (MANE Select); coding-DNA position 1381, C replaced by T.
Protein change: p.Leu461Phe; replaces leucine 461 with phenylalanine.
Molecular consequence: missense variant.
Genome position (GRCh38, 1-based): chr16:31,297,538, C>T. VCF-style: chr16-31297538-C-T. GRCh37 (hg19) VCF-style: chr16-31308859-C-T.
Other names: c.1381C>T, p.Leu461Phe (NM_001145808.2); short protein forms L461F.
Identifiers: ClinVar variation 1374380 (VCV001374380.6), dbSNP rs2144379771, ClinGen allele CA395669113.
Genomic context (GRCh38, chr16:31,297,538, plus strand): 5'-GGAAGAGGTGTGTGATTACGGTCCTGTCTCTTTCAGATCGGCGCCTACTTCGGGGCCTCC[C>T]TCTGCTCCGTGGACGTGGACAGCAACGGCAGCACCGACCTGGTCCTCATCGGGGCCCCCC-3'
Protein context (NP_000623.2, residues 451-471): TQIGAYFGAS[Leu461Phe]CSVDVDSNGS

ClinVar aggregate classification (germline): Uncertain significance (1 of 4 stars; one submission).

Submission:

Labcorp Genetics (formerly Invitae), Labcorp
Classification: Uncertain significance. Last evaluated: 2021-08-12. Review status: criteria provided, single submitter. Criteria: Invitae Variant Classification Sherloc (09022015). Collection method: clinical testing. Allele origin: germline.
Comment: Algorithms developed to predict the effect of missense changes on protein structure and function are either unavailable or do not agree on the potential impact of this missense change (SIFT: "Deleterious"; PolyPhen-2: "Probably Damaging"; Align-GVGD: "Class C15"). In summary, the available evidence is currently insufficient to determine the role of this variant in disease. Therefore, it has been classified as a Variant of Uncertain Significance. This variant has not been reported in the literature in individuals affected with ITGAM-related conditions. This sequence change replaces leucine with phenylalanine at codon 461 of the ITGAM protein (p.Leu461Phe). The leucine residue is highly conserved and there is a small physicochemical difference between leucine and phenylalanine. This variant is not present in population databases (ExAC no frequency).